The following is an entry in ClinVar:

NM_031475.3(ESPN):c.694A>C (p.Ser232Arg)

Gene: ESPN (espin; plus strand). Cytogenetic location: 1p36.31.
Variant type: single nucleotide variant.
Coding change: c.694A>C on transcript NM_031475.3 (MANE Select); coding-DNA position 694, A replaced by C.
Protein change: p.Ser232Arg; replaces serine 232 with arginine.
Molecular consequence: missense variant.
Genome position (GRCh38, 1-based): chr1:6,440,644, A>C. VCF-style: chr1-6440644-A-C. GRCh37 (hg19) VCF-style: chr1-6500704-A-C.
Other names: c.694A>C, p.Ser232Arg (NM_001367473.1, NM_001367474.1); short protein forms S232R.
Identifiers: ClinVar variation 3846237 (VCV003846237.2).

ClinVar aggregate classification (germline): Uncertain significance. Review status: criteria provided, multiple submitters, no conflicts (2 of 4 stars). 2 submissions from 2 submitters: Uncertain significance (2). Last evaluated 2026-05-10.

Conditions:
ESPN-related disorder. Also called: ESPN-related condition.
Inborn genetic diseases. Identifiers: MedGen C0950123, MeSH D030342.

gnomAD v4.1: 3 of 1,103,462 alleles (0.00027%); highest among the groups gnomAD compares: Non-Finnish European, 0.00037%; no homozygotes.

Submissions (2):

PreventionGenetics, part of Exact Sciences
Classification: Uncertain significance for ESPN-related condition. Last evaluated: 2026-05-10. Review status: criteria provided, single submitter. Criteria: ACMG Guidelines, 2015. Collection method: clinical testing. Allele origin: germline.
Comment: The ESPN c.694A>C variant is predicted to result in the amino acid substitution p.Ser232Arg. To our knowledge, this variant has not been reported in the literature. This variant is reported in 0.0022% of alleles in individuals of European (Non-Finnish) descent in gnomAD. At this time, the clinical significance of this variant is uncertain due to the absence of conclusive functional and genetic evidence.

Ambry Genetics
Classification: Uncertain significance for Inborn genetic diseases. Last evaluated: 2025-01-17. Review status: criteria provided, single submitter. Criteria: Ambry Variant Classification Scheme 2023. Collection method: clinical testing. Allele origin: germline.